The following is an entry in ClinVar:

NM_000504.4(F10):c.1105G>A (p.Glu369Lys)

Genes: F10 (coagulation factor X; plus strand), F10-AS2 (F10 antisense RNA 2; minus strand). Cytogenetic location: 13q34.
Variant type: single nucleotide variant.
Coding change: c.1105G>A on transcript NM_000504.4 (MANE Select); coding-DNA position 1105, G replaced by A.
Protein change: p.Glu369Lys; replaces glutamic acid 369 with lysine.
Molecular consequence: missense variant. On other transcripts: 3 prime UTR variant (1).
Genome position (GRCh38, 1-based): chr13:113,149,155, G>A. VCF-style: chr13-113149155-G-A. GRCh37 (hg19) VCF-style: chr13-113803469-G-A.
Other names: c.1105G>A (LRG_548t1); c.973G>A, p.Glu325Lys (NM_001312674.2); c.*96G>A (NM_001312675.2); short protein forms E369K, E325K.
Identifiers: ClinVar variation 427136 (VCV000427136.4), dbSNP rs1085307979, ClinGen allele CA388793062.
Genomic context (GRCh38, chr13:113,149,155, plus strand): 5'-GCCGAGTCCACGCTGATGACGCAGAAGACGGGGATTGTGAGCGGCTTCGGGCGCACCCAC[G>A]AGAAGGGCCGGCAGTCCACCAGGCTCAAGATGCTGGAGGTGCCCTACGTGGACCGCAACA-3'
Protein context (NP_000495.1, residues 359-379): GIVSGFGRTH[Glu369Lys]KGRQSTRLKM

ClinVar aggregate classification (germline): Uncertain significance (1 of 4 stars; one submission).

Submission:

GeneDx
Classification: Uncertain significance. Last evaluated: 2026-10-18. Review status: criteria provided, single submitter. Criteria: GeneDx Variant Classification Process June 2021. Collection method: clinical testing. Allele origin: germline.
Comment: Reported in an individual with factor X deficiency, but zygosity and clinical information was not provided (PMID: 26540129); Not observed at significant frequency in large population cohorts (gnomAD); In silico analysis supports that this missense variant has a deleterious effect on protein structure/function; This variant is associated with the following publications: (PMID: 26540129)